The following is an entry in ClinVar:

NM_001365999.1(SZT2):c.8323C>T (p.Arg2775Cys)

Gene: SZT2 (SZT2 subunit of KICSTOR complex; plus strand). Cytogenetic location: 1p34.2.
Variant type: single nucleotide variant.
Coding change: c.8323C>T on transcript NM_001365999.1 (MANE Select); coding-DNA position 8323, C replaced by T.
Protein change: p.Arg2775Cys; replaces arginine 2775 with cysteine.
Molecular consequence: missense variant.
Genome position (GRCh38, 1-based): chr1:43,442,990, C>T. VCF-style: chr1-43442990-C-T. GRCh37 (hg19) VCF-style: chr1-43908661-C-T.
Other names: c.8152C>T (NM_015284.3); c.8152C>T, p.Arg2718Cys (NM_015284.4); short protein forms R2775C, R2718C.
Identifiers: ClinVar variation 1354265 (VCV001354265.7), dbSNP rs761455251, ClinGen allele CA810511.

ClinVar aggregate classification (germline): Uncertain significance. Review status: criteria provided, multiple submitters, no conflicts (2 of 4 stars). 3 submissions from 3 submitters: Uncertain significance (3). Last evaluated 2025-08-25.

Conditions:
Inborn genetic diseases. Identifiers: MedGen C0950123, MeSH D030342.

Allele frequency attached by ClinVar (database versions not stated): ExAC 0.00001; gnomAD 0.00001; gnomAD exomes 0.00001; TOPMed 0.00003.
gnomAD v4.1: 10 of 1,613,980 alleles (0.00062%); highest among the groups gnomAD compares: South Asian, 0.0033%; no homozygotes.

Submissions (3):

Ambry Genetics
Classification: Uncertain significance for Inborn genetic diseases. Last evaluated: 2025-08-25. Review status: criteria provided, single submitter. Criteria: Ambry Variant Classification Scheme 2023. Collection method: clinical testing. Allele origin: germline.

Women's Health and Genetics/Laboratory Corporation of America, LabCorp
Classification: Uncertain significance. Last evaluated: 2025-07-22. Review status: criteria provided, single submitter. Criteria: LabCorp Variant Classification Summary - May 2015. Collection method: clinical testing. Allele origin: germline.
Comment: Variant summary: SZT2 c.8152C>T (p.Arg2718Cys) results in a non-conservative amino acid change in the encoded protein sequence. Algorithms developed to predict the effect of missense changes on protein structure and function are either unavailable or do not agree on the potential impact of this missense change. The variant allele was found at a frequency of 1.2e-05 in 251302 control chromosomes. The available data on variant occurrences in the general population are insufficient to allow any conclusion about variant significance. To our knowledge, no occurrence of c.8152C>T in individuals affected with Early Infantile Epileptic Encephalopathy 18 and no experimental evidence demonstrating its impact on protein function have been reported. ClinVar contains an entry for this variant (Variation ID: 1354265). Based on the evidence outlined above, the variant was classified as uncertain significance.

Labcorp Genetics (formerly Invitae), Labcorp
Classification: Uncertain significance. Last evaluated: 2022-05-28. Review status: criteria provided, single submitter. Criteria: Invitae Variant Classification Sherloc (09022015). Collection method: clinical testing. Allele origin: germline.
Comment: This sequence change replaces arginine, which is basic and polar, with cysteine, which is neutral and slightly polar, at codon 2718 of the SZT2 protein (p.Arg2718Cys). This variant is present in population databases (rs761455251, gnomAD 0.006%). This variant has not been reported in the literature in individuals affected with SZT2-related conditions. ClinVar contains an entry for this variant (Variation ID: 1354265). Algorithms developed to predict the effect of missense changes on protein structure and function (SIFT, PolyPhen-2, Align-GVGD) all suggest that this variant is likely to be disruptive. In summary, the available evidence is currently insufficient to determine the role of this variant in disease. Therefore, it has been classified as a Variant of Uncertain Significance.